The following is an entry in ClinVar:

ClinVar aggregate classification (germline): Uncertain significance (1 of 4 stars; one submission).

Conditions:
Alstrom syndrome (ALMS). Identifiers: Orphanet 64, MedGen C0268425, MONDO:0008763, OMIM 203800.

Allele frequency attached by ClinVar (database versions not stated): gnomAD exomes below 0.00001; gnomAD 0.00001; TOPMed 0.00001.
gnomAD v4.1: 8 of 1,613,574 alleles (0.0005%); highest among the groups gnomAD compares: Non-Finnish European, 0.00068%; no homozygotes.

Submission:

Labcorp Genetics (formerly Invitae), Labcorp
Classification: Uncertain significance for Alstrom syndrome. Last evaluated: 2022-07-27. Review status: criteria provided, single submitter. Criteria: Invitae Variant Classification Sherloc (09022015). Collection method: clinical testing. Allele origin: germline.
Comment: This sequence change replaces lysine, which is basic and polar, with threonine, which is neutral and polar, at codon 3270 of the ALMS1 protein (p.Lys3270Thr). This variant is present in population databases (no rsID available, gnomAD 0.0009%). This variant has not been reported in the literature in individuals affected with ALMS1-related conditions. Experimental studies and prediction algorithms are not available or were not evaluated, and the functional significance of this variant is currently unknown. In summary, the available evidence is currently insufficient to determine the role of this variant in disease. Therefore, it has been classified as a Variant of Uncertain Significance.

NM_001378454.1(ALMS1):c.9806A>C (p.Lys3269Thr)

Gene: ALMS1 (ALMS1 centrosome and basal body associated protein; plus strand). Cytogenetic location: 2p13.1.
Variant type: single nucleotide variant.
Coding change: c.9806A>C on transcript NM_001378454.1 (MANE Select); coding-DNA position 9806, A replaced by C.
Protein change: p.Lys3269Thr; replaces lysine 3269 with threonine.
Molecular consequence: missense variant.
Genome position (GRCh38, 1-based): chr2:73,534,848, A>C. VCF-style: chr2-73534848-A-C. GRCh37 (hg19) VCF-style: chr2-73761975-A-C.
Other names: c.9809A>C, p.Lys3270Thr (NM_015120.4); short protein forms K3269T, K3270T.
Identifiers: ClinVar variation 2415355 (VCV002415355.3), dbSNP rs1278349380, ClinGen allele CA347263490.
Genomic context (GRCh38, chr2:73,534,848, plus strand): 5'-TTTTCATATTAATTGTTCTGATTTTTACCTCCTTAGGCCAGCCTTTATTATTGCCATATA[A>C]GCCTTCTGGTAGTACCAAGATGTATTATGTTCCACAATTAAGACAAATTCCTCCATCTCC-3'
Protein context (NP_001365383.1, residues 3259-3279): TDGQPLLLPY[Lys3269Thr]PSGSTKMYYV